The following is an entry in ClinVar:

ClinVar aggregate classification (germline): Uncertain significance (1 of 4 stars; one submission).

Conditions:
Joubert syndrome. Also called: CEREBELLOPARENCHYMAL DISORDER IV; JOUBERT-BOLTSHAUSER SYNDROME; Familial aplasia of the vermis. Identifiers: Orphanet 475, MedGen C5979921, MONDO:0018772.

Submission:

Labcorp Genetics (formerly Invitae), Labcorp
Classification: Uncertain significance for Joubert syndrome. Last evaluated: 2022-05-20. Review status: criteria provided, single submitter. Criteria: Invitae Variant Classification Sherloc (09022015). Collection method: clinical testing. Allele origin: germline.
Comment: In summary, the available evidence is currently insufficient to determine the role of this variant in disease. Therefore, it has been classified as a Variant of Uncertain Significance. Advanced modeling of protein sequence and biophysical properties (such as structural, functional, and spatial information, amino acid conservation, physicochemical variation, residue mobility, and thermodynamic stability) performed at Invitae indicates that this missense variant is not expected to disrupt INPP5E protein function. This variant has not been reported in the literature in individuals affected with INPP5E-related conditions. This variant is not present in population databases (gnomAD no frequency). This sequence change replaces cysteine, which is neutral and slightly polar, with glycine, which is neutral and non-polar, at codon 132 of the INPP5E protein (p.Cys132Gly).

NM_019892.6(INPP5E):c.394T>G (p.Cys132Gly)

Gene: INPP5E (inositol polyphosphate-5-phosphatase E; minus strand). Cytogenetic location: 9q34.3.
Variant type: single nucleotide variant.
Coding change: c.394T>G on transcript NM_019892.6 (MANE Select); coding-DNA position 394, T replaced by G.
Protein change: p.Cys132Gly; replaces cysteine 132 with glycine.
Molecular consequence: missense variant.
Genome position (GRCh38, 1-based): chr9:136,439,026, A>C on the plus strand (T>G on the coding strand, the complement: INPP5E is on the minus strand). VCF-style: chr9-136439026-A-C. GRCh37 (hg19) VCF-style: chr9-139333478-A-C.
Other names: c.394T>G, p.Cys132Gly (NM_001318502.2); short protein forms C132G.
Identifiers: ClinVar variation 1997073 (VCV001997073.4), dbSNP rs2538894076, ClinGen allele CA375569321.